The following is an entry in ClinVar:

ClinVar aggregate classification (germline): Pathogenic (1 of 4 stars; one submission).

Conditions:
Congenital adrenal hyperplasia due to cytochrome P450 oxidoreductase deficiency. Also called: DISORDERED STEROIDOGENESIS DUE TO POR DEFICIENCY. Identifiers: Orphanet 95699, MedGen C1860042, MONDO:0013310, OMIM 613571.

Submission:

Labcorp Genetics (formerly Invitae), Labcorp
Classification: Pathogenic for Congenital adrenal hyperplasia due to cytochrome P450 oxidoreductase deficiency. Last evaluated: 2025-03-07. Review status: criteria provided, single submitter. Criteria: Invitae Variant Classification Sherloc (09022015). Collection method: clinical testing. Allele origin: germline.
Comment: This sequence change creates a premature translational stop signal (p.Asp147Glnfs*55) in the POR gene. It is expected to result in an absent or disrupted protein product. Loss-of-function variants in POR are known to be pathogenic (PMID: 14758361, 20732302, 21741353). This variant is not present in population databases (gnomAD no frequency). This variant has not been reported in the literature in individuals affected with POR-related conditions. For these reasons, this variant has been classified as Pathogenic.

Literature cited by the submitters: PubMed 14758361; PubMed 20732302; PubMed 21741353.

NM_001395413.1(POR):c.430_440del (p.Asp144fs)

Gene: POR (cytochrome p450 oxidoreductase; plus strand). Cytogenetic location: 7q11.23.
Variant type: Deletion.
Coding change: c.430_440del on transcript NM_001395413.1 (MANE Select); coding-DNA positions 430 to 440, 11 bases deleted (GACCCCACCGA).
Protein change: p.Asp144fs; shifts the reading frame from aspartic acid 144.
Molecular consequence: frameshift variant.
Genome position (GRCh38, 1-based): chr7:75,980,411-75,980,421, GACCCCACCGA deleted; deleting any 11 consecutive bases within chr7:75,980,409-75,980,421 gives the same sequence; the c. name uses the placement nearest the transcript's 3' end. VCF-style (leftmost placement, unchanged base first): chr7-75980408-GGAGACCCCACC-G. GRCh37 (hg19) VCF-style: chr7-75609726-GGAGACCCCACC-G.
Other names: c.430_440del, p.Asp144fs (NM_001367562.3, NM_001382657.2, NM_001382658.3 and 2 more transcripts); c.484_494del, p.Asp162fs (NM_001382655.3); short protein forms D144fs, D162fs.
Identifiers: ClinVar variation 3680973 (VCV003680973.2).
Genomic context (GRCh38, chr7:75,980,408, plus strand): 5'-AGCAGCCTGCCAGAGATCGACAACGCCCTGGTGGTTTTCTGCATGGCCACCTACGGTGAG[GGAGACCCCACC>G]GACAATGCCCAGGACTTCTACGACTGGCTGCAGGAGACAGACGTGGATCTCTCTGGGGTC-3'